The following is an entry in ClinVar:

NM_152594.3(SPRED1):c.505A>T (p.Arg169Ter)

Gene: SPRED1 (sprouty related EVH1 domain containing 1; plus strand). Cytogenetic location: 15q14.
Variant type: single nucleotide variant.
Coding change: c.505A>T on transcript NM_152594.3 (MANE Select); coding-DNA position 505, A replaced by T.
Protein change: p.Arg169Ter; replaces arginine 169 with a stop codon.
Molecular consequence: nonsense.
Genome position (GRCh38, 1-based): chr15:38,339,818, A>T. VCF-style: chr15-38339818-A-T. GRCh37 (hg19) VCF-style: chr15-38632019-A-T.
Other names: short protein forms R169*.
Identifiers: ClinVar variation 4994081 (VCV004994081.1).

ClinVar aggregate classification (germline): Pathogenic (1 of 4 stars; one submission).

Conditions:
SPRED1-related disorder. Also called: SPRED1-related condition.

Submission:

PreventionGenetics, part of Exact Sciences
Classification: Pathogenic for SPRED1-related condition. Last evaluated: 2026-01-23. Review status: criteria provided, single submitter. Criteria: ACMG Guidelines, 2015. Collection method: clinical testing. Allele origin: germline.
Comment: The SPRED1 c.505A>T variant is predicted to result in premature protein termination (p.Arg169*). To our knowledge, this variant has not been reported in the literature or in a large population database (gnomAD), indicating this variant is rare. At the time of reporting it was not present in ClinVar. Nonsense variants in SPRED1 are expected to be pathogenic (Brems. 2007. PubMed ID: 17704776). This variant is interpreted as pathogenic.